The following is an entry in ClinVar:

ClinVar aggregate classification (germline): Uncertain significance. Review status: criteria provided, multiple submitters, no conflicts (2 of 4 stars). 4 submissions from 4 submitters: Uncertain significance (3). 1 of the submissions does not count toward it. Last evaluated 2024-06-03.

Conditions:
Deficiency of alpha-mannosidase (MANSA). Also called: Mannosidosis, alpha-, types I and II; LYSOSOMAL ALPHA-D-MANNOSIDASE DEFICIENCY; Alpha-Mannosidosis. Identifiers: Orphanet 61, MedGen C0024748, MONDO:0009561, OMIM 248500.
Inborn genetic diseases. Identifiers: MedGen C0950123, MeSH D030342.

Allele frequency attached by ClinVar (database versions not stated): TOPMed 0.00020.
gnomAD v4.1: 375 of 1,613,598 alleles (0.023%); highest among the groups gnomAD compares: Non-Finnish European, 0.03%; 1 homozygote.

Submissions (4):

Ambry Genetics
Classification: Uncertain significance for Inborn genetic diseases. Last evaluated: 2024-06-03. Review status: criteria provided, single submitter. Criteria: Ambry Variant Classification Scheme 2023. Collection method: clinical testing. Allele origin: germline.

Labcorp Genetics (formerly Invitae), Labcorp
Classification: Uncertain significance for Deficiency of alpha-mannosidase. Last evaluated: 2022-08-10. Review status: criteria provided, single submitter. Criteria: Invitae Variant Classification Sherloc (09022015). Collection method: clinical testing. Allele origin: germline.
Comment: This sequence change replaces alanine, which is neutral and non-polar, with proline, which is neutral and non-polar, at codon 836 of the MAN2B1 protein (p.Ala836Pro). This variant is present in population databases (rs140281123, gnomAD 0.03%). This variant has not been reported in the literature in individuals affected with MAN2B1-related conditions. ClinVar contains an entry for this variant (Variation ID: 966722). Algorithms developed to predict the effect of missense changes on protein structure and function (SIFT, PolyPhen-2, Align-GVGD) all suggest that this variant is likely to be tolerated. In summary, the available evidence is currently insufficient to determine the role of this variant in disease. Therefore, it has been classified as a Variant of Uncertain Significance.

Mayo Clinic Laboratories, Mayo Clinic
Classification: Uncertain significance. Last evaluated: 2021-07-16. Review status: criteria provided, single submitter. Criteria: ACMG Guidelines, 2015. Collection method: clinical testing. Allele origin: germline.

Natera, Inc.
Classification: Uncertain significance for Alpha-mannosidosis. Last evaluated: 2020-01-24. Review status: no assertion criteria provided. Collection method: clinical testing. Allele origin: germline. Not counted in ClinVar's aggregate classification.

NM_000528.4(MAN2B1):c.2506G>C (p.Ala836Pro)

Gene: MAN2B1 (mannosidase alpha class 2B member 1; minus strand). Cytogenetic location: 19p13.13.
Variant type: single nucleotide variant.
Coding change: c.2506G>C on transcript NM_000528.4 (MANE Select); coding-DNA position 2506, G replaced by C.
Protein change: p.Ala836Pro; replaces alanine 836 with proline.
Molecular consequence: missense variant.
Genome position (GRCh38, 1-based): chr19:12,648,333, C>G on the plus strand (G>C on the coding strand, the complement: MAN2B1 is on the minus strand). VCF-style: chr19-12648333-C-G. GRCh37 (hg19) VCF-style: chr19-12759147-C-G.
Other names: p.Ala836Pro; c.2503G>C, p.Ala835Pro (NM_001173498.2); short protein forms A835P, A836P.
Identifiers: ClinVar variation 966722 (VCV000966722.11), dbSNP rs140281123, ClinGen allele CA9225994.
Genomic context (GRCh38, chr19:12,648,333, plus strand): 5'-GTCCGGCGGCTGCAGCCTGGGCTGTGTCCAGCAGCACCAGGTGGCGCCCTCGCACCCACG[C>G]CCCCGACCCGTTCTCCATTAGTGGCTCCGATACTCCGCGTCCATCGTCCTTCAGCAGCCT-3'
Protein context (NP_000519.2, residues 826-846): SEPLMENGSG[Ala836Pro]WVRGRHLVLL